The following is an entry in ClinVar:

NM_001044.5(SLC6A3):c.831C>T (p.Leu277=)

Gene: SLC6A3 (solute carrier family 6 member 3). Cytogenetic location: 5p15.33.
Variant type: single nucleotide variant.
Coding change: c.831C>T on transcript NM_001044.5 (MANE Select); coding-DNA position 831, C replaced by T.
Protein change: p.Leu277=; no amino-acid change (leucine 277 retained).
Molecular consequence: synonymous variant.
Genome position (GRCh38, 1-based): chr5:1,420,665, G>A on the plus strand (C>T on the coding strand, the complement: SLC6A3 is on the minus strand). VCF-style: chr5-1420665-G-A. GRCh37 (hg19) VCF-style: chr5-1420780-G-A.
Identifiers: ClinVar variation 3706187 (VCV003706187.4).

ClinVar aggregate classification (germline): Likely benign. Review status: criteria provided, multiple submitters, no conflicts (2 of 4 stars). 2 submissions from 2 submitters: Likely benign (2). Last evaluated 2026-04-01.

Conditions:
Parkinsonism-dystonia, infantile. Identifiers: Orphanet 238455, MedGen C2751067, MONDO:0013150.

gnomAD v4.1: 1 of 1,613,642 alleles (0.000062%); highest among the groups gnomAD compares: Admixed American, 0.0017%; no homozygotes.

Submissions (2):

CeGaT Center for Human Genetics Tuebingen
Classification: Likely benign. Last evaluated: 2026-04-01. Review status: criteria provided, single submitter. Criteria: CeGaT Center For Human Genetics Tuebingen Variant Classification Criteria Version 2. Collection method: clinical testing. Allele origin: germline. Affected: yes. Observed: 1 variant allele.
Comment: SLC6A3: BP4, BP7

Labcorp Genetics (formerly Invitae), Labcorp
Classification: Likely benign for Parkinsonism-dystonia, infantile. Last evaluated: 2024-07-24. Review status: criteria provided, single submitter. Criteria: Invitae Variant Classification Sherloc (09022015). Collection method: clinical testing. Allele origin: germline.